The following is an entry in ClinVar:

NM_003721.4(RFXANK):c.175T>G (p.Ser59Ala)

Gene: RFXANK (regulatory factor X associated ankyrin containing protein; plus strand). Cytogenetic location: 19p13.11.
Variant type: single nucleotide variant.
Coding change: c.175T>G on transcript NM_003721.4 (MANE Select); coding-DNA position 175, T replaced by G.
Protein change: p.Ser59Ala; replaces serine 59 with alanine.
Molecular consequence: missense variant.
Genome position (GRCh38, 1-based): chr19:19,194,121, T>G. VCF-style: chr19-19194121-T-G. GRCh37 (hg19) VCF-style: chr19-19304930-T-G.
Other names: c.175T>G, p.Ser59Ala (NM_001278727.2, NM_001278728.2, NM_001370233.1 and 6 more transcripts); short protein forms S59A.
Identifiers: ClinVar variation 1386102 (VCV001386102.8), dbSNP rs1197099934, ClinGen allele CA404890206.

ClinVar aggregate classification (germline): Uncertain significance (1 of 4 stars; one submission).

Conditions:
MHC class II deficiency. Also called: BLS, TYPE II; Bare lymphocyte syndrome 2. Identifiers: Orphanet 572, MedGen C5447452, MONDO:0008855.

Allele frequency attached by ClinVar (database versions not stated): gnomAD exomes below 0.00001; gnomAD 0.00001.
gnomAD v4.1: 1 of 1,614,200 alleles (0.000062%); highest among the groups gnomAD compares: Admixed American, 0.0017%; no homozygotes.

Submission:

Labcorp Genetics (formerly Invitae), Labcorp
Classification: Uncertain significance for MHC class II deficiency. Last evaluated: 2022-03-03. Review status: criteria provided, single submitter. Criteria: Invitae Variant Classification Sherloc (09022015). Collection method: clinical testing. Allele origin: germline.
Comment: This sequence change replaces serine, which is neutral and polar, with alanine, which is neutral and non-polar, at codon 59 of the RFXANK protein (p.Ser59Ala). This variant is present in population databases (no rsID available, gnomAD 0.003%). In summary, the available evidence is currently insufficient to determine the role of this variant in disease. Therefore, it has been classified as a Variant of Uncertain Significance. Algorithms developed to predict the effect of missense changes on protein structure and function (SIFT, PolyPhen-2, Align-GVGD) all suggest that this variant is likely to be tolerated. This variant has not been reported in the literature in individuals affected with RFXANK-related conditions.